The following is an entry in ClinVar:

ClinVar aggregate classification (germline): Conflicting classifications of pathogenicity. Review status: criteria provided, conflicting classifications (1 of 4 stars). 6 submissions from 6 submitters: Uncertain significance (5); Likely benign (1). Last evaluated 2026-01-08.

Conditions:
Hereditary cancer-predisposing syndrome. Also called: Tumor predisposition; Neoplastic Syndromes, Hereditary; Hereditary Cancer Syndrome; Hereditary neoplastic syndrome. Identifiers: Orphanet 140162, MedGen C0027672, MeSH D009386, MONDO:0015356.
Breast-ovarian cancer, familial, susceptibility to, 1 (BROVCA1). Also called: BRCA1 Hereditary Breast and Ovarian Cancer; OVARIAN CANCER, SUSCEPTIBILITY TO. Identifiers: Orphanet 145, MedGen C2676676, MONDO:0011450, OMIM 604370. Disease mechanism: loss of function.
Hereditary breast ovarian cancer syndrome. Also called: Hereditary breast and ovarian cancer; Hereditary breast and ovarian cancer syndrome; Hereditary breast and ovarian cancer syndrome (HBOC); Breast and ovarian cancer; BRCA1- and BRCA2-Associated Hereditary Breast and Ovarian Cancer; Hereditary breast and/or ovarian cancer syndrome. Identifiers: Orphanet 145, MedGen C0677776, MeSH D061325, MONDO:0003582. Disease mechanism: loss of function.

Submissions (6):

Myriad Genetics, Inc.
Classification: Likely benign for Breast-ovarian cancer, familial, susceptibility to, 1. Last evaluated: 2026-01-08. Review status: criteria provided, single submitter. Criteria: Myriad Autosomal Dominant, Autosomal Recessive and X-Linked Classification Criteria (2023). Collection method: clinical testing. Allele origin: unknown.
Comment: This variant is considered likely benign. This variant is strongly associated with less severe personal and family histories of cancer, typical for individuals without pathogenic variants in this gene [PMID: 25085752].

Ambry Genetics
Classification: Uncertain significance for Hereditary cancer-predisposing syndrome. Last evaluated: 2025-05-23. Review status: criteria provided, single submitter. Criteria: Ambry Variant Classification Scheme 2023. Collection method: clinical testing. Allele origin: germline.
Comment: The p.L1504V variant (also known as c.4510T>G), located in coding exon 13 of the BRCA1 gene, results from a T to G substitution at nucleotide position 4510. The leucine at codon 1504 is replaced by valine, an amino acid with highly similar properties. This amino acid position is poorly conserved in available vertebrate species. In addition, the in silico prediction for this alteration is inconclusive. Since supporting evidence is limited at this time, the clinical significance of this alteration remains unclear.

Women's Health and Genetics/Laboratory Corporation of America, LabCorp
Classification: Uncertain significance. Last evaluated: 2022-08-14. Review status: criteria provided, single submitter. Criteria: LabCorp Variant Classification Summary - May 2015. Collection method: clinical testing. Allele origin: germline.

Color Diagnostics, LLC DBA Color Health
Classification: Uncertain significance for Hereditary cancer-predisposing syndrome. Last evaluated: 2019-04-07. Review status: criteria provided, single submitter. Criteria: ACMG Guidelines, 2015. Collection method: clinical testing. Allele origin: germline.

Labcorp Genetics (formerly Invitae), Labcorp
Classification: Uncertain significance for Hereditary breast ovarian cancer syndrome. Last evaluated: 2019-02-04. Review status: criteria provided, single submitter. Criteria: Invitae Variant Classification Sherloc (09022015). Collection method: clinical testing. Allele origin: germline.
Comment: This variant is not present in population databases (ExAC no frequency). Algorithms developed to predict the effect of sequence changes on RNA splicing suggest that this variant may create or strengthen a splice site, but this prediction has not been confirmed by published transcriptional studies. Algorithms developed to predict the effect of missense changes on protein structure and function (SIFT, PolyPhen-2, Align-GVGD) all suggest that this variant is likely to be tolerated, but these predictions have not been confirmed by published functional studies and their clinical significance is uncertain. This variant has not been reported in the literature in individuals with BRCA1-related conditions. This sequence change replaces leucine with valine at codon 1504 of the BRCA1 protein (p.Leu1504Val). The leucine residue is weakly conserved and there is a small physicochemical difference between leucine and valine. In summary, the available evidence is currently insufficient to determine the role of this variant in disease. Therefore, it has been classified as a Variant of Uncertain Significance.

Quest Diagnostics Nichols Institute San Juan Capistrano
Classification: Uncertain significance. Last evaluated: 2018-08-03. Review status: criteria provided, single submitter. Criteria: Quest Diagnostics criteria. Collection method: clinical testing. Allele origin: germline.

Literature cited by the submitters: PubMed 25085752 (cited by Myriad Genetics, Inc.).

NM_007294.4(BRCA1):c.4510T>G (p.Leu1504Val)

Gene: BRCA1 (BRCA1 DNA repair associated; minus strand). Cytogenetic location: 17q21.31.
Variant type: single nucleotide variant.
Coding change: c.4510T>G on transcript NM_007294.4 (MANE Select); coding-DNA position 4510, T replaced by G.
Protein change: p.Leu1504Val; replaces leucine 1504 with valine.
Molecular consequence: missense variant. On other transcripts: non-coding transcript variant (1).
Genome position (GRCh38, 1-based): chr17:43,074,496, A>C on the plus strand (T>G on the coding strand, the complement: BRCA1 is on the minus strand). VCF-style: chr17-43074496-A-C. GRCh37 (hg19) VCF-style: chr17-41226513-A-C.
Other names: c.4297T>G, p.Leu1433Val (NM_001407571.1, NM_001407894.1, NM_001407895.1 and 12 more transcripts); c.4576T>G, p.Leu1526Val (NM_001407581.1, NM_001407582.1); c.4573T>G, p.Leu1525Val (NM_001407583.1, NM_001407585.1, NM_001407587.1 and 1 more transcripts); c.4570T>G, p.Leu1524Val (NM_001407590.1, NM_001407591.1); c.4510T>G, p.Leu1504Val (NM_001407593.1, NM_001407594.1, NM_001407596.1 and 8 more transcripts); c.4507T>G, p.Leu1503Val (NM_001407610.1, NM_001407611.1, NM_001407612.1 and 17 more transcripts); c.4504T>G, p.Leu1502Val (NM_001407627.1, NM_001407628.1, NM_001407629.1 and 14 more transcripts); c.4501T>G, p.Leu1501Val (NM_001407644.1, NM_001407645.1); and 68 more; short protein forms L1504V, L1525V, L1457V, L400V, L1375V, L1377V, L1415V, L1484V.
Identifiers: ClinVar variation 619629 (VCV000619629.23), dbSNP rs1567778337, ClinGen allele CA10592509.